The following is an entry in ClinVar:

ClinVar aggregate classification (germline): Uncertain significance. Review status: criteria provided, multiple submitters, no conflicts (2 of 4 stars). 3 submissions from 3 submitters: Uncertain significance (3). Last evaluated 2025-09-28.

Conditions:
Fibrous dysplasia of jaw (CRBM). Also called: Cherubism. Identifiers: Orphanet 184, MedGen C0008029, MONDO:0007315, OMIM 118400.
Inborn genetic diseases. Identifiers: MedGen C0950123, MeSH D030342.

Allele frequency attached by ClinVar (database versions not stated): gnomAD 0.00003; gnomAD exomes 0.00003 and 0.00007; TOPMed 0.00003; ESP Exome Variant Server 0.00015; ExAC 0.00019.
gnomAD v4.1: 40 of 1,595,904 alleles (0.0025%); highest among the groups gnomAD compares: South Asian, 0.021%; no homozygotes.

Submissions (3):

Labcorp Genetics (formerly Invitae), Labcorp
Classification: Uncertain significance for Fibrous dysplasia of jaw. Last evaluated: 2025-09-28. Review status: criteria provided, single submitter. Criteria: Invitae Variant Classification Sherloc (09022015). Collection method: clinical testing. Allele origin: germline.
Comment: This sequence change replaces glycine, which is neutral and non-polar, with arginine, which is basic and polar, at codon 441 of the SH3BP2 protein (p.Gly441Arg). This variant is present in population databases (rs146202519, gnomAD 0.02%). This variant has not been reported in the literature in individuals affected with SH3BP2-related conditions. ClinVar contains an entry for this variant (Variation ID: 939562). Invitae Evidence Modeling of protein sequence and biophysical properties (such as structural, functional, and spatial information, amino acid conservation, physicochemical variation, residue mobility, and thermodynamic stability) indicates that this missense variant is not expected to disrupt SH3BP2 protein function with a negative predictive value of 95%. In summary, the available evidence is currently insufficient to determine the role of this variant in disease. Therefore, it has been classified as a Variant of Uncertain Significance.

Ambry Genetics
Classification: Uncertain significance for Inborn genetic diseases. Last evaluated: 2025-02-25. Review status: criteria provided, single submitter. Criteria: Ambry Variant Classification Scheme 2023. Collection method: clinical testing. Allele origin: germline.

Breakthrough Genomics
Classification: Uncertain significance. Review status: criteria provided, single submitter. Criteria: ACMG Guidelines, 2015. Collection method: not provided. Allele origin: germline. Inheritance: Autosomal dominant inheritance. Affected: yes.

NM_001122681.2(SH3BP2):c.1321G>A (p.Gly441Arg)

Gene: SH3BP2 (SH3 domain binding protein 2; plus strand). Cytogenetic location: 4p16.3.
Variant type: single nucleotide variant.
Coding change: c.1321G>A on transcript NM_001122681.2 (MANE Select); coding-DNA position 1321, G replaced by A.
Protein change: p.Gly441Arg; replaces glycine 441 with arginine.
Molecular consequence: missense variant.
Genome position (GRCh38, 1-based): chr4:2,831,650, G>A. VCF-style: chr4-2831650-G-A. GRCh37 (hg19) VCF-style: chr4-2833377-G-A.
Other names: c.1405G>A, p.Gly469Arg (NM_001145855.2); c.1492G>A, p.Gly498Arg (NM_001145856.2); c.1321G>A, p.Gly441Arg (NM_003023.4); short protein forms G441R, G498R, G469R.
Identifiers: ClinVar variation 939562 (VCV000939562.11), dbSNP rs146202519, ClinGen allele CA2819463.